The following is an entry in ClinVar:

ClinVar aggregate classification (germline): Uncertain significance. Review status: criteria provided, multiple submitters, no conflicts (2 of 4 stars). 2 submissions from 2 submitters: Uncertain significance (2). Last evaluated 2025-11-08.

Conditions:
Brugada syndrome. Also called: Sudden Unexplained Death Syndrome; Sudden Unexplained Nocturnal Death Syndrome (SUNDS); Sudden unexplained nocturnal death syndrome; Sudden unexpected nocturnal death syndrome. Identifiers: Orphanet 130, MedGen C1142166, MONDO:0015263.
Cardiovascular phenotype. Identifiers: MedGen CN230736.

Allele frequency attached by ClinVar (database versions not stated): TOPMed 0.00001; gnomAD 0.00002 and 0.00003.
gnomAD v4.1: 37 of 1,614,120 alleles (0.0023%); highest among the groups gnomAD compares: African/African-American, 0.0053%; no homozygotes.

Submissions (2):

Labcorp Genetics (formerly Invitae), Labcorp
Classification: Uncertain significance for Brugada syndrome. Last evaluated: 2025-11-08. Review status: criteria provided, single submitter. Criteria: Invitae Variant Classification Sherloc (09022015). Collection method: clinical testing. Allele origin: germline.
Comment: This sequence change replaces arginine, which is basic and polar, with glutamine, which is neutral and polar, at codon 916 of the SCN10A protein (p.Arg916Gln). This variant is present in population databases (rs267599804, gnomAD 0.007%). This variant has not been reported in the literature in individuals affected with SCN10A-related conditions. ClinVar contains an entry for this variant (Variation ID: 1357610). Invitae Evidence Modeling of protein sequence and biophysical properties (such as structural, functional, and spatial information, amino acid conservation, physicochemical variation, residue mobility, and thermodynamic stability) indicates that this missense variant is not expected to disrupt SCN10A protein function with a negative predictive value of 80%. In summary, the available evidence is currently insufficient to determine the role of this variant in disease. Therefore, it has been classified as a Variant of Uncertain Significance.

Ambry Genetics
Classification: Uncertain significance for Cardiovascular phenotype. Last evaluated: 2023-03-03. Review status: criteria provided, single submitter. Criteria: Ambry Variant Classification Scheme 2023. Collection method: clinical testing. Allele origin: germline.
Comment: The p.R916Q variant (also known as c.2747G>A), located in coding exon 16 of the SCN10A gene, results from a G to A substitution at nucleotide position 2747. The arginine at codon 916 is replaced by glutamine, an amino acid with highly similar properties. This amino acid position is highly conserved in available vertebrate species. In addition, this alteration is predicted to be deleterious by in silico analysis. Since supporting evidence is limited at this time, the clinical significance of this alteration remains unclear.

NM_006514.4(SCN10A):c.2747G>A (p.Arg916Gln)

Gene: SCN10A (sodium voltage-gated channel alpha subunit 10; minus strand). Cytogenetic location: 3p22.2.
Variant type: single nucleotide variant.
Coding change: c.2747G>A on transcript NM_006514.4 (MANE Select); coding-DNA position 2747, G replaced by A.
Protein change: p.Arg916Gln; replaces arginine 916 with glutamine.
Molecular consequence: missense variant.
Genome position (GRCh38, 1-based): chr3:38,726,946, C>T on the plus strand (G>A on the coding strand, the complement: SCN10A is on the minus strand). VCF-style: chr3-38726946-C-T. GRCh37 (hg19) VCF-style: chr3-38768437-C-T.
Other names: c.2747G>A, p.Arg916Gln (NM_001293306.2); c.2453G>A, p.Arg818Gln (NM_001293307.2); short protein forms R916Q, R818Q.
Identifiers: ClinVar variation 1357610 (VCV001357610.7), dbSNP rs267599804, ClinGen allele CA2320438.